The following is an entry in ClinVar:

NM_004984.4(KIF5A):c.244A>G (p.Ile82Val)

Gene: KIF5A (kinesin family member 5A; plus strand). Cytogenetic location: 12q13.3.
Variant type: single nucleotide variant.
Coding change: c.244A>G on transcript NM_004984.4 (MANE Select); coding-DNA position 244, A replaced by G.
Protein change: p.Ile82Val; replaces isoleucine 82 with valine.
Molecular consequence: missense variant. On other transcripts: intron variant (1).
Genome position (GRCh38, 1-based): chr12:57,563,646, A>G. VCF-style: chr12-57563646-A-G. GRCh37 (hg19) VCF-style: chr12-57957429-A-G.
Other names: c.130-814A>G (NM_001354705.2); short protein forms I82V.
Identifiers: ClinVar variation 2863837 (VCV002863837.3), dbSNP rs2540493184, ClinGen allele CA385493353.

ClinVar aggregate classification (germline): Uncertain significance (1 of 4 stars; one submission).

Conditions:
Spastic paraplegia. Identifiers: MedGen C0037772, HP:0001258.

Submission:

Labcorp Genetics (formerly Invitae), Labcorp
Classification: Uncertain significance for Spastic paraplegia. Last evaluated: 2023-05-13. Review status: criteria provided, single submitter. Criteria: Invitae Variant Classification Sherloc (09022015). Collection method: clinical testing. Allele origin: germline.
Comment: This sequence change replaces isoleucine, which is neutral and non-polar, with valine, which is neutral and non-polar, at codon 82 of the KIF5A protein (p.Ile82Val). This variant is not present in population databases (gnomAD no frequency). This variant has not been reported in the literature in individuals affected with KIF5A-related conditions. Advanced modeling of protein sequence and biophysical properties (such as structural, functional, and spatial information, amino acid conservation, physicochemical variation, residue mobility, and thermodynamic stability) has been performed at Invitae for this missense variant, however the output from this modeling did not meet the statistical confidence thresholds required to predict the impact of this variant on KIF5A protein function. In summary, the available evidence is currently insufficient to determine the role of this variant in disease. Therefore, it has been classified as a Variant of Uncertain Significance.